The following is an entry in ClinVar:

NM_015874.6(RBPJ):c.461C>T (p.Pro154Leu)

Gene: RBPJ (recombination signal binding protein for immunoglobulin kappa J region; plus strand). Cytogenetic location: 4p15.2.
Variant type: single nucleotide variant.
Coding change: c.461C>T on transcript NM_015874.6 (MANE Select); coding-DNA position 461, C replaced by T.
Protein change: p.Pro154Leu; replaces proline 154 with leucine.
Molecular consequence: missense variant.
Genome position (GRCh38, 1-based): chr4:26,420,690, C>T. VCF-style: chr4-26420690-C-T. GRCh37 (hg19) VCF-style: chr4-26422312-C-T.
Other names: c.395C>T, p.Pro132Leu (NM_001363577.2, NM_203283.5); c.500C>T, p.Pro167Leu (NM_001374400.1, NM_001379408.1, NM_005349.4); c.458C>T, p.Pro153Leu (NM_001374401.1, NM_001374402.1, NM_001374403.1 and 3 more transcripts); c.455C>T, p.Pro152Leu (NM_001379409.1); short protein forms P132L, P152L, P153L, P154L, P167L.
Identifiers: ClinVar variation 2579469 (VCV002579469.1), dbSNP rs2475306199, ClinGen allele CA356670413.
Genomic context (GRCh38, chr4:26,420,690, plus strand): 5'-ATGGCAACAGTGATGACATTGGTGTGTTCCTCAGCAAGCGGATAAAAGTCATCTCCAAAC[C>T]TTCCAAAAAGAAGCAGTCATTGAAAAATGCTGACTGTATGTATGCTTTTCTTATTTATCC-3'
Protein context (NP_056958.3, residues 144-164): LSKRIKVISK[Pro154Leu]SKKKQSLKNA

ClinVar aggregate classification (germline): Uncertain significance (1 of 4 stars; one submission).

Submission:

GeneDx
Classification: Uncertain significance. Last evaluated: 2023-09-01. Review status: criteria provided, single submitter. Criteria: GeneDx Variant Classification Process June 2021. Collection method: clinical testing. Allele origin: germline. Affected: yes.
Comment: Not observed at significant frequency in large population cohorts (gnomAD); In silico analysis supports that this missense variant has a deleterious effect on protein structure/function; Has not been previously published as pathogenic or benign to our knowledge